The following is an entry in ClinVar:

NM_004618.5(TOP3A):c.1620G>C (p.Glu540Asp)

Gene: TOP3A (DNA topoisomerase III alpha; minus strand). Cytogenetic location: 17p11.2.
Variant type: single nucleotide variant.
Coding change: c.1620G>C on transcript NM_004618.5 (MANE Select); coding-DNA position 1620, G replaced by C.
Protein change: p.Glu540Asp; replaces glutamic acid 540 with aspartic acid.
Molecular consequence: missense variant.
Genome position (GRCh38, 1-based): chr17:18,285,498, C>G on the plus strand (G>C on the coding strand, the complement: TOP3A is on the minus strand). VCF-style: chr17-18285498-C-G. GRCh37 (hg19) VCF-style: chr17-18188812-C-G.
Other names: c.1335G>C, p.Glu445Asp (NM_001320759.2); short protein forms E540D, E445D.
Identifiers: ClinVar variation 3634470 (VCV003634470.2).

ClinVar aggregate classification (germline): Uncertain significance (1 of 4 stars; one submission).

Submission:

Labcorp Genetics (formerly Invitae), Labcorp
Classification: Uncertain significance. Last evaluated: 2024-12-02. Review status: criteria provided, single submitter. Criteria: Invitae Variant Classification Sherloc (09022015). Collection method: clinical testing. Allele origin: germline.
Comment: This sequence change replaces glutamic acid, which is acidic and polar, with aspartic acid, which is acidic and polar, at codon 540 of the TOP3A protein (p.Glu540Asp). This variant is not present in population databases (gnomAD no frequency). This variant has not been reported in the literature in individuals affected with TOP3A-related conditions. An algorithm developed to predict the effect of missense changes on protein structure and function (PolyPhen-2) suggests that this variant is likely to be tolerated. In summary, the available evidence is currently insufficient to determine the role of this variant in disease. Therefore, it has been classified as a Variant of Uncertain Significance.